The following is an entry in ClinVar:

NM_001082486.2(ACD):c.128C>T (p.Ala43Val)

Gene: ACD (ACD shelterin complex subunit and telomerase recruitment factor; minus strand). Cytogenetic location: 16q22.1.
Variant type: single nucleotide variant.
Coding change: c.128C>T on transcript NM_001082486.2 (MANE Select); coding-DNA position 128, C replaced by T.
Protein change: p.Ala43Val; replaces alanine 43 with valine.
Molecular consequence: missense variant.
Genome position (GRCh38, 1-based): chr16:67,660,017, G>A on the plus strand (C>T on the coding strand, the complement: ACD is on the minus strand). VCF-style: chr16-67660017-G-A. GRCh37 (hg19) VCF-style: chr16-67693920-G-A.
Other names: c.128C>T, p.Ala43Val (NM_001410884.1); c.119C>T, p.Ala40Val (NM_022914.3); short protein forms A43V, A40V.
Identifiers: ClinVar variation 1735677 (VCV001735677.2), dbSNP rs752683720, ClinGen allele CA396356952.

ClinVar aggregate classification (germline): Uncertain significance (1 of 4 stars; one submission).

Conditions:
Inborn genetic diseases. Identifiers: MedGen C0950123, MeSH D030342.

gnomAD v4.1: 1 of 1,606,538 alleles (0.000062%); highest among the groups gnomAD compares: Middle Eastern, 0.017%; no homozygotes.

Submission:

Ambry Genetics
Classification: Uncertain significance for Inborn genetic diseases. Last evaluated: 2022-08-05. Review status: criteria provided, single submitter. Criteria: Ambry Variant Classification Scheme 2023. Collection method: clinical testing. Allele origin: germline.
Comment: The p.A129V variant (also known as c.386C>T), located in coding exon 2 of the ACD gene, results from a C to T substitution at nucleotide position 386. The alanine at codon 129 is replaced by valine, an amino acid with similar properties. This amino acid position is conserved. In addition, this alteration is predicted to be tolerated by in silico analysis. Since supporting evidence is limited at this time, the clinical significance of this alteration remains unclear.